The following is an entry in ClinVar:

NM_182916.3(TRNT1):c.696A>C (p.Gly232=)

Gene: TRNT1 (tRNA nucleotidyl transferase 1; plus strand). Cytogenetic location: 3p26.2.
Variant type: single nucleotide variant.
Coding change: c.696A>C on transcript NM_182916.3 (MANE Select); coding-DNA position 696, A replaced by C.
Protein change: p.Gly232=; no amino-acid change (glycine 232 retained).
Molecular consequence: synonymous variant. On other transcripts: non-coding transcript variant (6).
Genome position (GRCh38, 1-based): chr3:3,146,517, A>C. VCF-style: chr3-3146517-A-C. GRCh37 (hg19) VCF-style: chr3-3188201-A-C.
Other names: c.696A>C, p.Gly232= (LRG_1314t1, NM_001302946.2, NM_001367321.1 and 2 more transcripts).
Identifiers: ClinVar variation 386064 (VCV000386064.1), dbSNP rs752132595, ClinGen allele CA2228758.
Genomic context (GRCh38, chr3:3,146,517, plus strand): 5'-TGGTGACCATGATCCTGAGACTTTGGAAGCAATTGCAGAAAATGCAAAAGGCTTGGCTGG[A>C]ATATCAGGAGAAAGGATTTGGGTGGAACTGAAAAAAATTCTTGTTGGTAACCATGTAAAT-3'
Protein context (NP_886552.3, residues 222-242): AIAENAKGLA[Gly232=]ISGERIWVEL

ClinVar aggregate classification (germline): Likely benign (1 of 4 stars; one submission).

Allele frequency attached by ClinVar (database versions not stated): gnomAD exomes below 0.00001 and 0.00001; ExAC 0.00001.
gnomAD v4.1: 4 of 1,614,126 alleles (0.00025%); highest among the groups gnomAD compares: South Asian, 0.0044%; no homozygotes.

Submission:

GeneDx
Classification: Likely benign. Last evaluated: 2016-05-23. Review status: criteria provided, single submitter. Criteria: GeneDx Variant Classification (06012015). Collection method: clinical testing. Allele origin: germline. Affected: yes.
Comment: This variant is considered likely benign or benign based on one or more of the following criteria: it is a conservative change, it occurs at a poorly conserved position in the protein, it is predicted to be benign by multiple in silico algorithms, and/or has population frequency not consistent with disease.